The following is an entry in ClinVar:

NM_001040108.2(MLH3):c.494G>A (p.Arg165Lys)

Gene: MLH3 (mutL homolog 3; minus strand). Cytogenetic location: 14q24.3.
Variant type: single nucleotide variant.
Coding change: c.494G>A on transcript NM_001040108.2 (MANE Select); coding-DNA position 494, G replaced by A.
Protein change: p.Arg165Lys; replaces arginine 165 with lysine.
Molecular consequence: missense variant.
Genome position (GRCh38, 1-based): chr14:75,049,162, C>T on the plus strand (G>A on the coding strand, the complement: MLH3 is on the minus strand). VCF-style: chr14-75049162-C-T. GRCh37 (hg19) VCF-style: chr14-75515865-C-T.
Other names: c.494G>A, p.Arg165Lys (NM_014381.3); short protein forms R165K.
Identifiers: ClinVar variation 3396713 (VCV003396713.1).
Genomic context (GRCh38, chr14:75,049,162, plus strand): 5'-ATGGAAGGGTGCATGAGTGAGAGAGCTTCTATTCTCTGCCTAACCTTCTCAAACTCCAGT[C>T]TAGGGTCCATGCATTTCCTCCTTACAGGAAGCTGGTAAAATAGGTTATACACTGTTACAG-3'
Protein context (NP_001035197.1, residues 155-175): LPVRRKCMDP[Arg165Lys]LEFEKVRQRI

ClinVar aggregate classification (germline): Uncertain significance (1 of 4 stars; one submission).

gnomAD v4.1: 1 of 1,614,184 alleles (0.000062%); highest among the groups gnomAD compares: Non-Finnish European, 0.000085%; no homozygotes.

Submission:

Ambry Genetics
Classification: Uncertain significance. Last evaluated: 2024-09-12. Review status: criteria provided, single submitter. Criteria: Ambry Variant Classification Scheme 2023. Collection method: clinical testing. Allele origin: germline.
Comment: The p.R165K variant (also known as c.494G>A), located in coding exon 1 of the MLH3 gene, results from a G to A substitution at nucleotide position 494. The arginine at codon 165 is replaced by lysine, an amino acid with highly similar properties. This amino acid position is conserved. In addition, this alteration is predicted to be tolerated by in silico analysis. Based on the available evidence, the clinical significance of this variant remains unclear.